The following is an entry in ClinVar:

NM_000210.4(ITGA6):c.2399del (p.Ser800fs)

Genes: ITGA6 (integrin subunit alpha 6; plus strand), PDK1-AS1 (PDK1 and ITGA6 antisense RNA 1; minus strand). Cytogenetic location: 2q31.1.
Variant type: Deletion.
Coding change: c.2399del on transcript NM_000210.4 (MANE Select); coding-DNA position 2399, one base deleted (C; older notation c.2399delC).
Protein change: p.Ser800fs; shifts the reading frame from serine 800.
Molecular consequence: frameshift variant.
Genome position (GRCh38, 1-based): chr2:172,488,035, C deleted. VCF-style (leftmost placement, unchanged base first): chr2-172488034-TC-T. GRCh37 (hg19) VCF-style: chr2-173352762-TC-T.
Other names: c.2399del, p.Ser800fs (NM_001079818.3, NM_001365529.2, NM_001365530.2); c.2042del, p.Ser681fs (NM_001316306.2); c.2516del, p.Ser839fs (NM_001394928.1); short protein forms S681fs, S800fs, S839fs.
Identifiers: ClinVar variation 2768672 (VCV002768672.3), dbSNP rs2468381307, ClinGen allele CA2697551371.
Genomic context (GRCh38, chr2:172,488,034, plus strand): 5'-GATAATTTGGCTCCAATTACAGCTAAAGCAAAAGTGGTTATTGAACTGCTTTTATCGGTC[TC>T]GGGGTAAGTGTTTGTGTTTAGCATAACAAATCAATGTTTGAAAGAACCATTTACAATCCT-3'

ClinVar aggregate classification (germline): Pathogenic (1 of 4 stars; one submission).

Submission:

Labcorp Genetics (formerly Invitae), Labcorp
Classification: Pathogenic. Last evaluated: 2023-10-15. Review status: criteria provided, single submitter. Criteria: Invitae Variant Classification Sherloc (09022015). Collection method: clinical testing. Allele origin: germline.
Comment: This sequence change creates a premature translational stop signal (p.Ser800Trpfs*21) in the ITGA6 gene. It is expected to result in an absent or disrupted protein product. Loss-of-function variants in ITGA6 are known to be pathogenic (PMID: 9158140, 9185503, 9804362, 27607025). This variant is not present in population databases (gnomAD no frequency). This variant has not been reported in the literature in individuals affected with ITGA6-related conditions. For these reasons, this variant has been classified as Pathogenic.

Literature cited by the submitters: PubMed 9158140; PubMed 9185503; PubMed 9804362; PubMed 27607025.